The following is an entry in ClinVar:

NM_022124.6(CDH23):c.8878G>A (p.Val2960Ile)

Gene: CDH23 (cadherin related 23; plus strand). Cytogenetic location: 10q22.1.
Variant type: single nucleotide variant.
Coding change: c.8878G>A on transcript NM_022124.6 (MANE Select); coding-DNA position 8878, G replaced by A.
Protein change: p.Val2960Ile; replaces valine 2960 with isoleucine.
Molecular consequence: missense variant.
Genome position (GRCh38, 1-based): chr10:71,809,975, G>A. VCF-style: chr10-71809975-G-A. GRCh37 (hg19) VCF-style: chr10-73569732-G-A.
Other names: c.2158G>A, p.Val720Ile (NM_001171933.1, NM_001171934.1); short protein forms V2960I, V720I.
Identifiers: ClinVar variation 300466 (VCV000300466.9), dbSNP rs748152139, ClinGen allele CA5546779.

ClinVar aggregate classification (germline): Uncertain significance. Review status: criteria provided, multiple submitters, no conflicts (2 of 4 stars). 5 submissions from 4 submitters: Uncertain significance (5). Last evaluated 2024-12-09.

Conditions:
Autosomal recessive nonsyndromic hearing loss 12. Also called: DEAFNESS, AUTOSOMAL RECESSIVE 12. Identifiers: Orphanet 90636, MedGen C1832394, MONDO:0011067, OMIM 601386.
Usher syndrome type 1D (USH1D). Also called: USHER SYNDROME, TYPE ID. Identifiers: Orphanet 231169, Orphanet 886, MedGen C1832845, MONDO:0010984, OMIM 601067.

Allele frequency attached by ClinVar (database versions not stated): ExAC 0.00003; gnomAD 0.00003; gnomAD exomes 0.00003 and 0.00004; TOPMed 0.00003.
gnomAD v4.1: 51 of 1,611,986 alleles (0.0032%); highest among the groups gnomAD compares: Non-Finnish European, 0.0037%; no homozygotes.

Submissions (5):

Labcorp Genetics (formerly Invitae), Labcorp
Classification: Uncertain significance. Last evaluated: 2024-12-09. Review status: criteria provided, single submitter. Criteria: Invitae Variant Classification Sherloc (09022015). Collection method: clinical testing. Allele origin: germline.
Comment: This sequence change replaces valine, which is neutral and non-polar, with isoleucine, which is neutral and non-polar, at codon 2960 of the CDH23 protein (p.Val2960Ile). This variant is present in population databases (rs748152139, gnomAD 0.006%). This missense change has been observed in individual(s) with Usher syndrome (PMID: 25472526). ClinVar contains an entry for this variant (Variation ID: 300466). Invitae Evidence Modeling of protein sequence and biophysical properties (such as structural, functional, and spatial information, amino acid conservation, physicochemical variation, residue mobility, and thermodynamic stability) has been performed for this missense variant. However, the output from this modeling did not meet the statistical confidence thresholds required to predict the impact of this variant on CDH23 protein function. In summary, the available evidence is currently insufficient to determine the role of this variant in disease. Therefore, it has been classified as a Variant of Uncertain Significance.

Blueprint Genetics
Classification: Uncertain significance. Last evaluated: 2024-05-10. Review status: criteria provided, single submitter. Criteria: ACMG Guidelines, 2015. Collection method: clinical testing. Allele origin: germline.

Women's Health and Genetics/Laboratory Corporation of America, LabCorp
Classification: Uncertain significance. Last evaluated: 2021-11-04. Review status: criteria provided, single submitter. Criteria: LabCorp Variant Classification Summary - May 2015. Collection method: clinical testing. Allele origin: germline.
Comment: Variant summary: CDH23 c.8878G>A (p.Val2960Ile) results in a conservative amino acid change located in the last cadherin repeat domain (IPR002126) of the encoded protein sequence. Four of five in-silico tools predict a benign effect of the variant on protein function. The variant allele was found at a frequency of 4e-05 in 246918 control chromosomes (gnomAD). This frequency is not higher than the maximum expected for a pathogenic variant in CDH23 causing Usher Syndrome (0.0032), allowing no conclusion about variant significance. The variant, c.8878G>A, has been reported in the literature in a compound heterozygous individual affected with retinal disease and mild hearing loss (i.e. suspected Usher Syndrome), who carried another (VUS) missense variant in trans (Zhao_2015). This report does not provide unequivocal conclusions about association of the variant with Usher Syndrome. To our knowledge, no experimental evidence demonstrating an impact on protein function has been reported. One clinical diagnostic laboratory has submitted clinical-significance assessments for this variant to ClinVar after 2014, and classified the variant as uncertain significance. Based on the evidence outlined above, the variant was classified as uncertain significance.

Illumina Laboratory Services, Illumina
Classification: Uncertain significance for Usher syndrome type 1D. Last evaluated: 2018-01-13. Review status: criteria provided, single submitter. Criteria: ICSL Variant Classification Criteria 13 December 2019. Collection method: clinical testing. Allele origin: germline.

Illumina Laboratory Services, Illumina
Classification: Uncertain significance for Autosomal recessive nonsyndromic hearing loss 12. Last evaluated: 2018-01-13. Review status: criteria provided, single submitter. Criteria: ICSL Variant Classification Criteria 13 December 2019. Collection method: clinical testing. Allele origin: germline.

Literature cited by the submitters: PubMed 25472526 (cited by Labcorp Genetics (formerly Invitae), Labcorp and Women's Health and Genetics/Laboratory Corporation of America, LabCorp); PubMed 31445392 (cited by Women's Health and Genetics/Laboratory Corporation of America, LabCorp).